The following is an entry in ClinVar:

NM_001002755.4(NFU1):c.63-265A>T

Gene: NFU1 (NFU1 iron-sulfur cluster scaffold; minus strand). Cytogenetic location: 2p13.3.
Variant type: single nucleotide variant.
Coding change: c.63-265A>T on transcript NM_001002755.4 (MANE Select); 265 bases into the intron before coding-DNA position 63, A replaced by T.
Molecular consequence: intron variant.
Genome position (GRCh38, 1-based): chr2:69,432,270, T>A on the plus strand (A>T on the coding strand, the complement: NFU1 is on the minus strand). VCF-style: chr2-69432270-T-A. GRCh37 (hg19) VCF-style: chr2-69659402-T-A.
Other names: c.-10-265A>T (NM_015700.4, NM_001374284.1); c.-225-265A>T (NM_001002756.2).
Identifiers: ClinVar variation 669522 (VCV000669522.1), dbSNP rs7595167, ClinGen allele CA11117604.

ClinVar aggregate classification (germline): Benign (1 of 4 stars; one submission).

Allele frequency attached by ClinVar (database versions not stated): 1000 Genomes Project 0.41633; 1000 Genomes Project 30x 0.42239; TOPMed 0.46067; gnomAD 0.45093.
gnomAD v4.1: 69,163 of 152,002 alleles (46%); highest among the groups gnomAD compares: African/African-American, 56%; 16,190 homozygotes.

Submission:

GeneDx
Classification: Benign. Last evaluated: 2018-06-14. Review status: criteria provided, single submitter. Criteria: GeneDx Variant Classification (06012015). Collection method: clinical testing. Allele origin: germline. Affected: yes.
Comment: This variant is considered likely benign or benign based on one or more of the following criteria: it is a conservative change, it occurs at a poorly conserved position in the protein, it is predicted to be benign by multiple in silico algorithms, and/or has population frequency not consistent with disease.